The following is an entry in ClinVar:

ClinVar aggregate classification (germline): Uncertain significance. Review status: criteria provided, multiple submitters, no conflicts (2 of 4 stars). 2 submissions from 2 submitters: Uncertain significance (2). Last evaluated 2025-07-21.

Conditions:
Dilated cardiomyopathy 1G (CMD1G). Identifiers: Orphanet 154, MedGen C1858763, MONDO:0011400, OMIM 604145.
Hypertrophic cardiomyopathy 9. Also called: Familial hypertrophic cardiomyopathy 9. Identifiers: MedGen C1861065, MONDO:0013412, OMIM 613765.
TTN-related disorder. Also called: TTN-related disorders; TTN-related condition; TTN-related disease.

Submissions (2):

PreventionGenetics, part of Exact Sciences
Classification: Uncertain significance for TTN-related condition. Last evaluated: 2025-07-21. Review status: criteria provided, single submitter. Criteria: ACMG Guidelines, 2015. Collection method: clinical testing. Allele origin: germline.
Comment: The TTN c.38488G>A variant is predicted to result in the amino acid substitution p.Ala12830Thr. To our knowledge, this variant has not been reported in the literature. This variant is reported in 0.0025% of alleles in individuals of European (Non-Finnish) descent in gnomAD. At this time, the clinical significance of this variant is uncertain due to the absence of conclusive functional and genetic evidence.

New York Genome Center
Classification: Uncertain significance for Hypertrophic cardiomyopathy 9; Dilated cardiomyopathy 1G. Last evaluated: 2022-04-01. Review status: criteria provided, single submitter. Criteria: NYGC Assertion Criteria 2020. Collection method: clinical testing. Allele origin: germline. Observed: 1 heterozygote.

NM_001267550.2(TTN):c.38488G>A (p.Ala12830Thr)

Gene: TTN (titin; minus strand). Cytogenetic location: 2q31.2.
Variant type: single nucleotide variant.
Coding change: c.38488G>A on transcript NM_001267550.2 (MANE Select); coding-DNA position 38488, G replaced by A.
Protein change: p.Ala12830Thr; replaces alanine 12830 with threonine.
Molecular consequence: missense variant. On other transcripts: intron variant (5).
Genome position (GRCh38, 1-based): chr2:178,653,874, C>T on the plus strand (G>A on the coding strand, the complement: TTN is on the minus strand). VCF-style: chr2-178653874-C-T. GRCh37 (hg19) VCF-style: chr2-179518601-C-T.
Other names: c.13283-11557G>A (NM_003319.4); c.13859-11557G>A (NM_133437.4); c.13658-11557G>A (NM_133432.3); c.31742-1333G>A (NM_133378.4); c.34523-1333G>A (NM_001256850.1); short protein forms A12830T.
Identifiers: ClinVar variation 2502232 (VCV002502232.5), dbSNP rs1053167018, ClinGen allele CA60971213.